The following is an entry in ClinVar:

NM_001042492.3(NF1):c.8113+25A>T

Gene: NF1 (neurofibromin 1; plus strand). Cytogenetic location: 17q11.2.
Variant type: single nucleotide variant.
Coding change: c.8113+25A>T on transcript NM_001042492.3 (MANE Select); 25 bases into the intron after coding-DNA position 8113, A replaced by T.
Molecular consequence: intron variant.
Genome position (GRCh38, 1-based): chr17:31,358,647, A>T. VCF-style: chr17-31358647-A-T. GRCh37 (hg19) VCF-style: chr17-29685665-A-T.
Other names: NC_000017.10:g.29685665A>T; c.8050+25A>T (NM_000267.4, NM_000267.3).
Identifiers: ClinVar variation 3780026 (VCV003780026.3).

ClinVar aggregate classification (germline): Conflicting classifications of pathogenicity. Review status: criteria provided, conflicting classifications (1 of 4 stars). 2 submissions from 2 submitters: Likely pathogenic (1); Uncertain significance (1). Last evaluated 2025-07-01.

Conditions:
Neurofibromatosis, type 1 (NF1). Also called: Peripheral type neurofibromatosis; VON RECKLINGHAUSEN DISEASE; NEUROFIBROMATOSIS, TYPE I, SOMATIC; Neurofibromatosis, type I. Identifiers: Orphanet 636, MedGen C0027831, MONDO:0018975, OMIM 162200. Disease mechanism: loss of function.
Hereditary cancer-predisposing syndrome. Also called: Hereditary Cancer Syndrome; Hereditary neoplastic syndrome; Tumor predisposition; Neoplastic Syndromes, Hereditary. Identifiers: Orphanet 140162, MedGen C0027672, MeSH D009386, MONDO:0015356.
Cardiovascular phenotype. Identifiers: MedGen CN230736.

Submissions (3):

Ambry Genetics
Classification: Uncertain significance for Cardiovascular phenotype; Hereditary cancer-predisposing syndrome. Last evaluated: 2025-07-01. Review status: criteria provided, single submitter. Criteria: Ambry Variant Classification Scheme 2023. Collection method: clinical testing. Allele origin: germline.
Comment: The c.8050+25A>T intronic variant results from an A to T substitution 25 nucleotides after coding exon 54 in the NF1 gene. This variant was identified in 1 of 565 unrelated French probands with clinical diagnoses or suspicion of neurofibromatosis type 1; RT-PCR from blood leukocytes followed by cDNA sequencing showed this variant to create a novel 5' splice site within intron 46, causing retention of the first 23 nucleotides of intron 46 (Sabbagh A et al. Hum Mutat. 2013 Nov;34:1510-8). This nucleotide position is not well conserved in available vertebrate species. In silico splice site analysis predicts that this alteration will result in the creation or strengthening of a novel splice donor site. Based on the available evidence, the clinical significance of this variant remains unclear.

Department of Pathology and Laboratory Medicine, Sinai Health System
Classification: Likely pathogenic for neurofibromatosis type 1. Review status: criteria provided, single submitter. Criteria: ACMG Guidelines, 2015. Collection method: clinical testing. Allele origin: germline.

Dr. Peter K. Rogan Lab, Western University
No classification provided (evidence only). Condition: Ovarian serous cystadenocarcinoma. Review status: no classification provided. Collection method: in vitro. Allele origin: not applicable. Functional consequence: retained intron. Not counted in ClinVar's aggregate classification.

Literature cited by the submitters: PubMed 23913538 (cited by Ambry Genetics).